The following is an entry in ClinVar:

ClinVar aggregate classification (germline): Uncertain significance (1 of 4 stars; one submission).

Submission:

Labcorp Genetics (formerly Invitae), Labcorp
Classification: Uncertain significance. Last evaluated: 2021-03-22. Review status: criteria provided, single submitter. Criteria: Invitae Variant Classification Sherloc (09022015). Collection method: clinical testing. Allele origin: germline.
Comment: This variant, c.5085_5087dup, results in the insertion of 1 amino acid(s) to the CACNA1D protein (p.Glu1695dup), but otherwise preserves the integrity of the reading frame. This variant is not present in population databases (ExAC no frequency). This variant has not been reported in the literature in individuals with CACNA1D-related conditions. Experimental studies and prediction algorithms are not available or were not evaluated, and the functional significance of this variant is currently unknown. In summary, the available evidence is currently insufficient to determine the role of this variant in disease. Therefore, it has been classified as a Variant of Uncertain Significance.

NM_001128840.3(CACNA1D):c.5016AGA[5] (p.Glu1675dup)

Gene: CACNA1D (calcium voltage-gated channel subunit alpha1 D; plus strand). Cytogenetic location: 3p21.1.
Variant type: Microsatellite.
Coding change: c.5016AGA[5] on transcript NM_001128840.3 (MANE Select); five copies in a row of the 3-base unit AGA starting at c.5016; the reference has four copies in a row; one copy, 3 bases duplicated.
Protein change: p.Glu1675dup; duplicates glutamic acid 1675.
Molecular consequence: inframe insertion.
Genome position (GRCh38, 1-based): chr3:53,800,350-53,800,352, AGA duplicated; duplicating any 3 consecutive bases within chr3:53,800,341-53,800,352 gives the same sequence; the position shown is the placement nearest the transcript's 3' end. VCF-style (leftmost placement, unchanged base first): chr3-53800340-G-GAGA. GRCh37 (hg19) VCF-style: chr3-53834367-G-GAGA.
Other names: c.5076AGA[5], p.Glu1695dup (NM_000720.4); c.4971AGA[5], p.Glu1660dup (NM_001128839.3).
Identifiers: ClinVar variation 1518354 (VCV001518354.8), dbSNP rs778776240, ClinGen allele CA2580616489.